The following is an entry in ClinVar:

ClinVar aggregate classification (germline): Uncertain significance (1 of 4 stars; one submission).

Conditions:
Cardiomyopathy (CMYO). Also called: Cardiomyopathies. Identifiers: Orphanet 167848, MedGen C0878544, MONDO:0004994, HP:0001638. Inheritance: Various modes of inheritance.

Submission:

Color Diagnostics, LLC DBA Color Health
Classification: Uncertain significance for Cardiomyopathy. Last evaluated: 2025-07-28. Review status: criteria provided, single submitter. Criteria: ACMG Guidelines, 2015. Collection method: clinical testing. Allele origin: germline.
Comment: This missense variant replaces histidine with arginine at codon 38 of the DSC2 protein. Computational prediction suggests that this variant may not impact protein structure and function. To our knowledge, functional studies have not been reported for this variant. This variant has not been reported in individuals affected with DSC2-related disorders in the literature. This variant has not been identified in the general population by the Genome Aggregation Database (gnomAD). The available evidence is insufficient to determine the role of this variant in disease conclusively. Therefore, this variant is classified as a Variant of Uncertain Significance.

NM_024422.6(DSC2):c.113A>G (p.His38Arg)

Gene: DSC2 (desmocollin 2; minus strand). Cytogenetic location: 18q12.1.
Variant type: single nucleotide variant.
Coding change: c.113A>G on transcript NM_024422.6 (MANE Select); coding-DNA position 113, A replaced by G.
Protein change: p.His38Arg; replaces histidine 38 with arginine.
Molecular consequence: missense variant. On other transcripts: 5 prime UTR variant (2).
Genome position (GRCh38, 1-based): chr18:31,093,600, T>C on the plus strand (A>G on the coding strand, the complement: DSC2 is on the minus strand). VCF-style: chr18-31093600-T-C. GRCh37 (hg19) VCF-style: chr18-28673563-T-C.
Other names: c.-317A>G (NM_001406506.1, NM_001406507.1); c.113A>G, p.His38Arg (NM_004949.5); short protein forms H38R.
Identifiers: ClinVar variation 4759128 (VCV004759128.1).
Genomic context (GRCh38, chr18:31,093,600, plus strand): 5'-AATTTTAGGGCTTCCTTACCTCTACCAACAAGTTTCTCGGCATCTAGTTTGGAGGGAACA[T>C]GTAATGTCACATTTTTGCAGGCATCACTGGCAAATATTAAGATCTAAAAAATGAAAAAAA-3'
Protein context (NP_077740.1, residues 28-48): ASDACKNVTL[His38Arg]VPSKLDAEKL